The following is an entry in ClinVar:

NM_001379500.1(COL18A1):c.3325C>A (p.Pro1109Thr)

Genes: COL18A1 (collagen type XVIII alpha 1 chain; plus strand), SLC19A1 (solute carrier family 19 member 1; minus strand). Cytogenetic location: 21q22.3.
Variant type: single nucleotide variant.
Coding change: c.3325C>A on transcript NM_001379500.1 (MANE Select); coding-DNA position 3325, C replaced by A.
Protein change: p.Pro1109Thr; replaces proline 1109 with threonine.
Molecular consequence: missense variant.
Genome position (GRCh38, 1-based): chr21:45,509,431, C>A. VCF-style: chr21-45509431-C-A. GRCh37 (hg19) VCF-style: chr21-46929345-C-A.
Other names: c.3856C>A, p.Pro1286Thr (NM_030582.4); c.4561C>A, p.Pro1521Thr (NM_130444.3); short protein forms P1109T, P1286T, P1521T.
Identifiers: ClinVar variation 1717971 (VCV001717971.6), dbSNP rs1326587191, ClinGen allele CA410500742.
Genomic context (GRCh38, chr21:45,509,431, plus strand): 5'-GCCTTGCAGCCCCCCGTGGTGCAGCTGCACGACAGCAACCCCTACCCGCGGCGGGAGCAC[C>A]CCCACCCCACCGCGCGGCCCTGGCGGGCAGATGACATCCTGGCCAGCCCCCCTCGCCTGC-3'
Protein context (NP_001366429.1, residues 1099-1119): DSNPYPRREH[Pro1109Thr]HPTARPWRAD

ClinVar aggregate classification (germline): Uncertain significance (1 of 4 stars; one submission).

gnomAD v4.1: 1 of 1,533,768 alleles (0.000065%); highest among the groups gnomAD compares: South Asian, 0.0012%; no homozygotes.

Submission:

Labcorp Genetics (formerly Invitae), Labcorp
Classification: Uncertain significance. Last evaluated: 2022-08-24. Review status: criteria provided, single submitter. Criteria: Invitae Variant Classification Sherloc (09022015). Collection method: clinical testing. Allele origin: germline.
Comment: In summary, the available evidence is currently insufficient to determine the role of this variant in disease. Therefore, it has been classified as a Variant of Uncertain Significance. Experimental studies and prediction algorithms are not available or were not evaluated, and the functional significance of this variant is currently unknown. This variant has not been reported in the literature in individuals affected with COL18A1-related conditions. This variant is not present in population databases (gnomAD no frequency). This sequence change replaces proline, which is neutral and non-polar, with threonine, which is neutral and polar, at codon 1106 of the COL18A1 protein (p.Pro1106Thr).